The following continues an entry in ClinVar:

NM_000051.4(ATM):c.3993+1G>A

Gene: ATM. ClinVar aggregate classification (germline): Pathogenic/Likely pathogenic. Pathogenic (12); Likely pathogenic (2).

Submissions 13 to 16 of 16:

Color Diagnostics, LLC DBA Color Health
Classification: Likely pathogenic for Hereditary cancer-predisposing syndrome. Last evaluated: 2021-11-23. Review status: criteria provided, single submitter. Criteria: ACMG Guidelines, 2015. Collection method: clinical testing. Allele origin: germline.
Comment: This variant causes a G to A nucleotide substitution at the +1 position of intron 26 of the ATM gene. A study using carrier-derived RNA has shown that this variant (also known as IVS28+1G>A in the literature) causes the deletion of 120 nucleotides from the 3' end of exon 26 (PMID: 10980530). The aberrant transcript is predicted to cause an in-frame deletion of 40 amino acids (p.Val1292_Gln1331del). This variant has been reported in trans with an additional pathogenic ATM variant in individuals affected with ataxia-telangiectasia (PMID: 10980530, 12815592). This variant has also been reported in individuals affected with breast cancer (PMID: 25186627, 26976419) and pancreatic cancer (PMID: 29945567). In a large international case-control study, this variant was reported in 4/60462 breast cancer cases and 5/53456 controls (OR=0.707, 95%CI 0.19 to 2.634, p-value=0.743; PMID: 33471991). This variant has been identified in 4/250838 chromosomes in the general population by the Genome Aggregation Database (gnomAD). Loss of ATM function is a known mechanism of disease. Based on the available evidence, this variant is classified as Likely Pathogenic.

Victorian Clinical Genetics Services, Murdoch Childrens Research Institute
Classification: Pathogenic for Ataxia-telangiectasia syndrome. Last evaluated: 2021-05-06. Review status: criteria provided, single submitter. Criteria: ACMG Guidelines, 2015. Collection method: clinical testing. Allele origin: germline. Inheritance: Autosomal recessive inheritance.
Comment: Based on the classification scheme VCGS_Germline_v1.3.4, this variant is classified as Pathogenic. Following criteria are met: 0102 - Loss of function is a known mechanism of disease in this gene and is associated with ataxia-telangiectasia (MIM#208900). (I) 0106 - This gene is associated with autosomal recessive disease. (I) 0115 - Variants in this gene are known to have variable expressivity. Variable age of onset and rate of disease progression have been reported for affected individuals within the same family (PMIDs: 20301790, 27884168). (I) 0209 - Splice site variant proven to affect splicing of the transcript with uncertain effect on protein sequence. Using RNA studies, this variant has been reported to result in an in-frame deletion of 40 amino acids (PMID: 10980530). However, specific data was not shown. (SP) 0251 - This variant is heterozygous. (I) 0304 - Variant is present in gnomAD (v2) <0.01 for a recessive condition (4 heterozygotes, 0 homozygotes). (SP) 0505 - Abnormal splicing is predicted by in silico tools and affected nucleotide is highly conserved. (SP) 0801 - This variant has strong previous evidence of pathogenicity in unrelated individuals. It has been reported as likely pathogenic and pathogenic in multiple submissions in ClinVar. It has also been reported as compound heterozygous in a patient with ataxia-telangiectasia (PMID: 12815592). (SP) 1208 - Inheritance information for this variant is not currently available in this individual. (I) Legend: (SP) - Supporting pathogenic, (I) - Information, (SB) - Supporting benign

BRCAlab, Lund University
Classification: Pathogenic for Familial cancer of breast. Last evaluated: 2022-08-26. Review status: no assertion criteria provided. Collection method: clinical testing. Allele origin: germline. Affected: yes. Not counted in ClinVar's aggregate classification.

Counsyl
Classification: Pathogenic for Ataxia-telangiectasia syndrome. Last evaluated: 2017-06-14. Review status: no assertion criteria provided. Collection method: clinical testing. Allele origin: unknown. Not counted in ClinVar's aggregate classification.

Literature cited by the submitters: PubMed 32853339 (cited by Center for Genomic Medicine, Rigshospitalet, Copenhagen University Hospital); PubMed 25186627 (cited by 3 submitters); PubMed 10980530 (cited by 10 submitters); PubMed 12815592 (cited by 9 submitters); PubMed 33471991 (cited by Department of Pathology and Laboratory Medicine, Sinai Health System); PubMed 29945567 (cited by 3 submitters); PubMed 26976419 (cited by Ambry Genetics and Color Diagnostics, LLC DBA Color Health); PubMed 20301790 (cited by Victorian Clinical Genetics Services, Murdoch Childrens Research Institute); PubMed 27884168 (cited by Victorian Clinical Genetics Services, Murdoch Childrens Research Institute).